The following is an entry in ClinVar:

NM_001458.5(FLNC):c.6888C>T (p.His2296=)

Genes: FLNC-AS1 (FLNC antisense RNA 1; minus strand), FLNC (filamin C; plus strand). Cytogenetic location: 7q32.1.
Variant type: single nucleotide variant.
Coding change: c.6888C>T on transcript NM_001458.5 (MANE Select); coding-DNA position 6888, C replaced by T.
Protein change: p.His2296=; no amino-acid change (histidine 2296 retained).
Molecular consequence: synonymous variant.
Genome position (GRCh38, 1-based): chr7:128,854,573, C>T. VCF-style: chr7-128854573-C-T. GRCh37 (hg19) VCF-style: chr7-128494627-C-T.
Other names: c.6789C>T, p.His2263= (NM_001127487.2).
Identifiers: ClinVar variation 472150 (VCV000472150.61), dbSNP rs375259002, ClinGen allele CA4476109.
Genomic context (GRCh38, chr7:128,854,573, plus strand): 5'-GCGCTTTGTGCCCCAGGAAATGGGGCCCCATACGGTCGCTGTCAAGTACCGTGGCCAGCA[C>T]GTGCCCGGCAGCCCCTTTCAGTTCACTGTGGGGCCGCTGGGTGAAGGTGGTGCCCACAAG-3'
Protein context (NP_001449.3, residues 2286-2306): HTVAVKYRGQ[His2296=]VPGSPFQFTV

ClinVar aggregate classification (germline): Benign/Likely benign. Review status: criteria provided, multiple submitters, no conflicts (2 of 4 stars). 10 submissions from 10 submitters: Benign (1); Likely benign (6). 3 of the submissions do not count toward it. Last evaluated 2026-07-01.

Conditions:
FLNC-related disorder. Also called: FLNC-related condition; FLNC-related disorders.
Cardiovascular phenotype. Identifiers: MedGen CN230736.
Distal myopathy with posterior leg and anterior hand involvement. Also called: WILLIAMS DISTAL MYOPATHY. Identifiers: Orphanet 63273, MedGen C3279722, MONDO:0013550, OMIM 614065.
Hypertrophic cardiomyopathy 26. Also called: Cardiomyopathy, familial hypertrophic, 26. Identifiers: Orphanet 75249, MedGen C4310749, MONDO:0014883, OMIM 617047.
Myofibrillar myopathy 5. Also called: Filaminopathy (type); FILAMINOPATHY, AUTOSOMAL DOMINANT. Identifiers: Orphanet 171445, MedGen C1836050, MONDO:0012289, OMIM 609524.

Allele frequency attached by ClinVar (database versions not stated): ESP Exome Variant Server 0.00016; gnomAD 0.00017 and 0.00020; TOPMed 0.00020; gnomAD exomes 0.00029 and 0.00031; 1000 Genomes Project 30x 0.00031; ExAC 0.00043.
gnomAD v4.1: 483 of 1,609,222 alleles (0.03%); highest among the groups gnomAD compares: Middle Eastern, 0.1%; no homozygotes.

Submissions (10):

CeGaT Center for Human Genetics Tuebingen
Classification: Likely benign. Last evaluated: 2026-07-01. Review status: criteria provided, single submitter. Criteria: CeGaT Center For Human Genetics Tuebingen Variant Classification Criteria Version 2. Collection method: clinical testing. Allele origin: germline. Affected: yes. Observed: 5 variant alleles.
Comment: FLNC: BP4, BP7

Labcorp Genetics (formerly Invitae), Labcorp
Classification: Benign for Distal myopathy with posterior leg and anterior hand involvement; Myofibrillar myopathy 5; Hypertrophic cardiomyopathy 26. Last evaluated: 2026-01-18. Review status: criteria provided, single submitter. Criteria: Invitae Variant Classification Sherloc (09022015). Collection method: clinical testing. Allele origin: germline.

Molecular Diagnostic Laboratory for Inherited Cardiovascular Disease, Montreal Heart Institute
Classification: Likely benign. Last evaluated: 2025-04-09. Review status: criteria provided, single submitter. Criteria: ACMG Guidelines, 2015. Collection method: clinical testing. Allele origin: germline. Affected: no.

Blueprint Genetics
Classification: Likely benign. Last evaluated: 2024-11-08. Review status: criteria provided, single submitter. Criteria: ACMG Guidelines, 2015. Collection method: clinical testing. Allele origin: germline.

PreventionGenetics, part of Exact Sciences
Classification: Likely benign for FLNC-related condition. Last evaluated: 2024-10-19. Review status: criteria provided, single submitter. Criteria: ACMG Guidelines, 2015. Collection method: clinical testing. Allele origin: germline.
Comment: This variant is classified as likely benign based on ACMG/AMP sequence variant interpretation guidelines (Richards et al. 2015 PMID: 25741868, with internal and published modifications).

GeneDx
Classification: Likely benign. Last evaluated: 2020-10-19. Review status: criteria provided, single submitter. Criteria: GeneDx Variant Classification Process June 2021. Collection method: clinical testing. Allele origin: germline. Affected: yes.

Ambry Genetics
Classification: Likely benign for Cardiovascular phenotype. Last evaluated: 2019-01-23. Review status: criteria provided, single submitter. Criteria: Ambry Variant Classification Scheme 2023. Collection method: clinical testing. Allele origin: germline.

Clinical Genetics, Academic Medical Center
Classification: Benign. Review status: no assertion criteria provided. Collection method: clinical testing. Allele origin: germline. Affected: yes. Study: VKGL Data-share Consensus. Not counted in ClinVar's aggregate classification.

Genome Diagnostics Laboratory, University Medical Center Utrecht
Classification: Likely benign. Review status: no assertion criteria provided. Collection method: clinical testing. Allele origin: germline. Affected: yes. Study: VKGL Data-share Consensus. Not counted in ClinVar's aggregate classification.

Joint Genome Diagnostic Labs from Nijmegen and Maastricht, Radboudumc and MUMC+
Classification: Likely benign. Review status: no assertion criteria provided. Collection method: clinical testing. Allele origin: germline. Affected: yes. Study: VKGL Data-share Consensus. Not counted in ClinVar's aggregate classification.